The following is an entry in ClinVar:

ClinVar aggregate classification (germline): Uncertain significance (1 of 4 stars; one submission).

Allele frequency attached by ClinVar (database versions not stated): gnomAD exomes 0.00004; ExAC 0.00015; ESP Exome Variant Server 0.00046; gnomAD 0.00056; TOPMed 0.00071.

Submission:

Labcorp Genetics (formerly Invitae), Labcorp
Classification: Uncertain significance. Last evaluated: 2023-04-06. Review status: criteria provided, single submitter. Criteria: Invitae Variant Classification Sherloc (09022015). Collection method: clinical testing. Allele origin: germline.
Comment: This sequence change replaces arginine, which is basic and polar, with cysteine, which is neutral and slightly polar, at codon 685 of the ABCB6 protein (p.Arg685Cys). In summary, the available evidence is currently insufficient to determine the role of this variant in disease. Therefore, it has been classified as a Variant of Uncertain Significance. An algorithm developed to predict the effect of missense changes on protein structure and function (PolyPhen-2) suggests that this variant is likely to be disruptive. This variant has not been reported in the literature in individuals affected with ABCB6-related conditions. This variant is present in population databases (rs139523052, gnomAD 0.1%), and has an allele count higher than expected for a pathogenic variant.

NM_005689.4(ABCB6):c.2053C>T (p.Arg685Cys)

Gene: ABCB6 (ATP binding cassette subfamily B member 6 (LAN blood group); minus strand). Cytogenetic location: 2q35.
Variant type: single nucleotide variant.
Coding change: c.2053C>T on transcript NM_005689.4 (MANE Select); coding-DNA position 2053, C replaced by T.
Protein change: p.Arg685Cys; replaces arginine 685 with cysteine.
Molecular consequence: missense variant.
Genome position (GRCh38, 1-based): chr2:219,211,024, G>A on the plus strand (C>T on the coding strand, the complement: ABCB6 is on the minus strand). VCF-style: chr2-219211024-G-A. GRCh37 (hg19) VCF-style: chr2-220075746-G-A.
Other names: c.1915C>T, p.Arg639Cys (NM_001349828.2); short protein forms R639C, R685C.
Identifiers: ClinVar variation 2851475 (VCV002851475.3), dbSNP rs139523052, ClinGen allele CA2119079.